The following is an entry in ClinVar:

ClinVar aggregate classification (germline): Uncertain significance (1 of 4 stars; one submission).

Conditions:
Hereditary cancer-predisposing syndrome. Also called: Tumor predisposition; Neoplastic Syndromes, Hereditary; Hereditary neoplastic syndrome; Hereditary Cancer Syndrome. Identifiers: Orphanet 140162, MedGen C0027672, MeSH D009386, MONDO:0015356.

Submission:

Ambry Genetics
Classification: Uncertain significance for Hereditary cancer-predisposing syndrome. Last evaluated: 2024-11-28. Review status: criteria provided, single submitter. Criteria: Ambry Variant Classification Scheme 2023. Collection method: clinical testing. Allele origin: germline.
Comment: The p.L622S variant (also known as c.1865T>C), located in coding exon 14 of the BAP1 gene, results from a T to C substitution at nucleotide position 1865. The leucine at codon 622 is replaced by serine, an amino acid with dissimilar properties. This amino acid position is conserved. In addition, this alteration is predicted to be tolerated by in silico analysis. Based on the available evidence, the clinical significance of this variant remains unclear.

NM_004656.4(BAP1):c.1865T>C (p.Leu622Ser)

Gene: BAP1 (BRCA1 associated deubiquitinase 1; minus strand). Cytogenetic location: 3p21.1.
Variant type: single nucleotide variant.
Coding change: c.1865T>C on transcript NM_004656.4 (MANE Select); coding-DNA position 1865, T replaced by C.
Protein change: p.Leu622Ser; replaces leucine 622 with serine.
Molecular consequence: missense variant.
Genome position (GRCh38, 1-based): chr3:52,403,163, A>G on the plus strand (T>C on the coding strand, the complement: BAP1 is on the minus strand). VCF-style: chr3-52403163-A-G. GRCh37 (hg19) VCF-style: chr3-52437179-A-G.
Other names: c.1811T>C, p.Leu604Ser (NM_001410772.1); short protein forms L604S, L622S.
Identifiers: ClinVar variation 3477969 (VCV003477969.1).